The following is an entry in ClinVar:

ClinVar aggregate classification (germline): Conflicting classifications of pathogenicity. Review status: criteria provided, conflicting classifications (1 of 4 stars). 2 submissions from 2 submitters: Uncertain significance (1); Likely benign (1). Last evaluated 2025-11-19.

Conditions:
Ehlers-Danlos syndrome, classic type, 1 (EDSCL1). Also called: EHLERS-DANLOS SYNDROME, GRAVIS TYPE; EHLERS-DANLOS SYNDROME, SEVERE CLASSIC TYPE; Ehlers-Danlos syndrome, type 1; Ehlers-Danlos Syndrome, Classic Type, COL5A1-Related; EDS I. Identifiers: MedGen C0268335, MONDO:0019567, OMIM 130000.

gnomAD v4.1: 4 of 1,614,122 alleles (0.00025%); highest among the groups gnomAD compares: Non-Finnish European, 0.00034%; no homozygotes.

Submissions (2):

Women's Health and Genetics/Laboratory Corporation of America, LabCorp
Classification: Uncertain significance. Last evaluated: 2025-11-19. Review status: criteria provided, single submitter. Criteria: LabCorp Variant Classification Summary - May 2015. Collection method: clinical testing. Allele origin: germline.
Comment: Variant summary: COL5A1 c.1043C>A (p.Thr348Lys) results in a non-conservative amino acid change in the encoded protein sequence. Algorithms developed to predict the effect of missense changes on protein structure and function all suggest that this variant is likely to be disruptive. The variant allele was found at a frequency of 3.2e-05 in 31390 control chromosomes. The available data on variant occurrences in the general population are insufficient to allow any conclusion about variant significance. To our knowledge, no occurrence of c.1043C>A in individuals affected with COL5A1-related conditions and no experimental evidence demonstrating its impact on protein function have been reported. ClinVar contains an entry for this variant (Variation ID: 3625700). Based on the evidence outlined above, the variant was classified as uncertain significance.

Labcorp Genetics (formerly Invitae), Labcorp
Classification: Likely benign for Ehlers-Danlos syndrome, classic type, 1. Last evaluated: 2025-01-26. Review status: criteria provided, single submitter. Criteria: Invitae Variant Classification Sherloc (09022015). Collection method: clinical testing. Allele origin: germline.

NM_000093.5(COL5A1):c.1043C>A (p.Thr348Lys)

Gene: COL5A1 (collagen type V alpha 1 chain; plus strand). Cytogenetic location: 9q34.3.
Variant type: single nucleotide variant.
Coding change: c.1043C>A on transcript NM_000093.5 (MANE Select); coding-DNA position 1043, C replaced by A.
Protein change: p.Thr348Lys; replaces threonine 348 with lysine.
Molecular consequence: missense variant.
Genome position (GRCh38, 1-based): chr9:134,730,354, C>A. VCF-style: chr9-134730354-C-A. GRCh37 (hg19) VCF-style: chr9-137622200-C-A.
Other names: c.1043C>A, p.Thr348Lys (NM_001278074.1); short protein forms T348K.
Identifiers: ClinVar variation 3625700 (VCV003625700.3).